The following is an entry in ClinVar:

ClinVar aggregate classification (germline): Uncertain significance (1 of 4 stars; one submission).

Conditions:
Primary ciliary dyskinesia. Also called: Ciliary dyskinesia. Identifiers: Orphanet 244, MedGen C0008780, MONDO:0016575, HP:0012265.

Allele frequency attached by ClinVar (database versions not stated): gnomAD exomes 0.00007 and 0.00014; ExAC 0.00012; 1000 Genomes Project 30x 0.00016; 1000 Genomes Project 0.00020; ESP Exome Variant Server 0.00046; gnomAD 0.00069 and 0.00078; TOPMed 0.00073.
gnomAD v4.1: 213 of 1,614,124 alleles (0.013%); highest among the groups gnomAD compares: African/African-American, 0.25%; no homozygotes.

Submission:

Labcorp Genetics (formerly Invitae), Labcorp
Classification: Uncertain significance for Primary ciliary dyskinesia. Last evaluated: 2024-04-16. Review status: criteria provided, single submitter. Criteria: Invitae Variant Classification Sherloc (09022015). Collection method: clinical testing. Allele origin: germline.
Comment: This sequence change replaces asparagine, which is neutral and polar, with histidine, which is basic and polar, at codon 708 of the DRC1 protein (p.Asn708His). This variant is present in population databases (rs147970345, gnomAD 0.2%). This variant has not been reported in the literature in individuals affected with DRC1-related conditions. ClinVar contains an entry for this variant (Variation ID: 1387831). An algorithm developed to predict the effect of missense changes on protein structure and function (PolyPhen-2) suggests that this variant is likely to be disruptive. In summary, the available evidence is currently insufficient to determine the role of this variant in disease. Therefore, it has been classified as a Variant of Uncertain Significance.

NM_145038.5(DRC1):c.2122A>C (p.Asn708His)

Gene: DRC1 (dynein regulatory complex subunit 1; plus strand). Cytogenetic location: 2p23.3.
Variant type: single nucleotide variant.
Coding change: c.2122A>C on transcript NM_145038.5 (MANE Select); coding-DNA position 2122, A replaced by C.
Protein change: p.Asn708His; replaces asparagine 708 with histidine.
Molecular consequence: missense variant.
Genome position (GRCh38, 1-based): chr2:26,455,189, A>C. VCF-style: chr2-26455189-A-C. GRCh37 (hg19) VCF-style: chr2-26678057-A-C.
Other names: short protein forms N708H.
Identifiers: ClinVar variation 1387831 (VCV001387831.4), dbSNP rs147970345, ClinGen allele CA1562523.